The following is an entry in ClinVar:

ClinVar aggregate classification (germline): Conflicting classifications of pathogenicity. Review status: criteria provided, conflicting classifications (1 of 4 stars). 4 submissions from 4 submitters: Uncertain significance (1); Likely benign (1). 2 of the submissions do not count toward it. Last evaluated 2024-12-03.

Conditions:
ALPL-related disorder. Also called: ALPL-related disorders; ALPL-related condition.
Hypophosphatasia. Also called: Phosphoethanol-aminuria. Identifiers: Orphanet 436, MedGen C0020630, MeSH D007014, MONDO:0018570.

Allele frequency attached by ClinVar (database versions not stated): TOPMed 0.00003; gnomAD 0.00004 and 0.00005; gnomAD exomes 0.00004 and 0.00010; ExAC 0.00016.
gnomAD v4.1: 74 of 1,613,400 alleles (0.0046%); highest among the groups gnomAD compares: Admixed American, 0.0067%; no homozygotes.

Submissions (4):

Labcorp Genetics (formerly Invitae), Labcorp
Classification: Uncertain significance. Last evaluated: 2024-12-03. Review status: criteria provided, single submitter. Criteria: Invitae Variant Classification Sherloc (09022015). Collection method: clinical testing. Allele origin: germline.
Comment: This sequence change affects codon 216 of the ALPL mRNA. It is a 'silent' change, meaning that it does not change the encoded amino acid sequence of the ALPL protein. It affects a nucleotide within the consensus splice site. This variant is present in population databases (rs201739155, gnomAD 0.02%). This variant has not been reported in the literature in individuals affected with ALPL-related conditions. ClinVar contains an entry for this variant (Variation ID: 295545). Algorithms developed to predict the effect of sequence changes on RNA splicing suggest that this variant is not likely to affect RNA splicing. In summary, the available evidence is currently insufficient to determine the role of this variant in disease. Therefore, it has been classified as a Variant of Uncertain Significance.

Illumina Laboratory Services, Illumina
Classification: Likely benign for Hypophosphatasia. Last evaluated: 2018-01-12. Review status: criteria provided, single submitter. Criteria: ICSL Variant Classification Criteria 13 December 2019. Collection method: clinical testing. Allele origin: germline.
Comment: This variant was observed in the ICSL laboratory as part of a predisposition screen in an ostensibly healthy population. It had not been previously curated by ICSL or reported in the Human Gene Mutation Database (HGMD: prior to June 1st, 2018), and was therefore a candidate for classification through an automated scoring system. Utilizing variant allele frequency, disease prevalence and penetrance estimates, and inheritance mode, an automated score was calculated to assess if this variant is too frequent to cause the disease. Based on the score and internal cut-off values, a variant classified as likely benign is not then subjected to further curation. The score for this variant resulted in a classification of likely benign for this disease.

PreventionGenetics, part of Exact Sciences
Classification: Likely benign for ALPL-related condition. Last evaluated: 2023-12-20. Review status: no assertion criteria provided. Collection method: clinical testing. Allele origin: germline. Not counted in ClinVar's aggregate classification.
Comment: This variant is classified as likely benign based on ACMG/AMP sequence variant interpretation guidelines (Richards et al. 2015 PMID: 25741868, with internal and published modifications).

Natera, Inc.
Classification: Uncertain significance for Hypophosphatasia. Last evaluated: 2019-10-28. Review status: no assertion criteria provided. Collection method: clinical testing. Allele origin: germline. Not counted in ClinVar's aggregate classification.

NM_000478.6(ALPL):c.648C>T (p.Asp216=)

Gene: ALPL (alkaline phosphatase, biomineralization associated; plus strand). Cytogenetic location: 1p36.12.
Variant type: single nucleotide variant.
Coding change: c.648C>T on transcript NM_000478.6 (MANE Select); coding-DNA position 648, C replaced by T.
Protein change: p.Asp216=; no amino-acid change (aspartic acid 216 retained).
Molecular consequence: synonymous variant.
Genome position (GRCh38, 1-based): chr1:21,564,216, C>T. VCF-style: chr1-21564216-C-T. GRCh37 (hg19) VCF-style: chr1-21890709-C-T.
Other names: c.648C>T (NM_000478.5); c.483C>T, p.Asp161= (NM_001127501.4); c.417C>T, p.Asp139= (NM_001177520.3); c.648C>T, p.Asp216= (NM_001369803.2, NM_001369804.2, NM_001369805.2).
Identifiers: ClinVar variation 295545 (VCV000295545.16), dbSNP rs201739155, ClinGen allele CA666544.